The following is an entry in ClinVar:

ClinVar aggregate classification (germline): Pathogenic (1 of 4 stars; one submission).

Conditions:
Primary ciliary dyskinesia. Also called: Ciliary dyskinesia. Identifiers: Orphanet 244, MedGen C0008780, MONDO:0016575, HP:0012265.

Allele frequency attached by ClinVar (database versions not stated): gnomAD exomes below 0.00001; TOPMed below 0.00001; gnomAD 0.00001.

Submission:

Labcorp Genetics (formerly Invitae), Labcorp
Classification: Pathogenic for Primary ciliary dyskinesia. Last evaluated: 2022-09-20. Review status: criteria provided, single submitter. Criteria: Invitae Variant Classification Sherloc (09022015). Collection method: clinical testing. Allele origin: germline.
Comment: For these reasons, this variant has been classified as Pathogenic. This variant has not been reported in the literature in individuals affected with DNAI2-related conditions. This variant is not present in population databases (gnomAD no frequency). This sequence change creates a premature translational stop signal (p.Ser546Thrfs*15) in the DNAI2 gene. It is expected to result in an absent or disrupted protein product. Loss-of-function variants in DNAI2 are known to be pathogenic (PMID: 18950741, 23891469).

Literature cited by the submitters: PubMed 18950741; PubMed 23891469.

NM_023036.6(DNAI2):c.1637del (p.Ser546fs)

Gene: DNAI2 (dynein axonemal intermediate chain 2; plus strand). Cytogenetic location: 17q25.1.
Variant type: Deletion.
Coding change: c.1637del on transcript NM_023036.6 (MANE Select); coding-DNA position 1637, one base deleted (G; older notation c.1637delG).
Protein change: p.Ser546fs; shifts the reading frame from serine 546.
Molecular consequence: frameshift variant.
Genome position (GRCh38, 1-based): chr17:74,312,145, G deleted. VCF-style (leftmost placement, unchanged base first): chr17-74312144-AG-A. GRCh37 (hg19) VCF-style: chr17-72308283-AG-A.
Other names: c.1601del, p.Ser534fs (NM_001172810.3); c.1637del, p.Ser546fs (NM_001353167.2); short protein forms S534fs, S546fs.
Identifiers: ClinVar variation 1957723 (VCV001957723.5), dbSNP rs1183237509, ClinGen allele CA774977489.